The following is an entry in ClinVar:

NM_001382430.1(AKT1):c.1183G>A (p.Gly395Ser)

Gene: AKT1 (AKT serine/threonine kinase 1; minus strand). Cytogenetic location: 14q32.33.
Variant type: single nucleotide variant.
Coding change: c.1183G>A on transcript NM_001382430.1 (MANE Select); coding-DNA position 1183, G replaced by A.
Protein change: p.Gly395Ser; replaces glycine 395 with serine.
Molecular consequence: missense variant.
Genome position (GRCh38, 1-based): chr14:104,772,442, C>T on the plus strand (G>A on the coding strand, the complement: AKT1 is on the minus strand). VCF-style: chr14-104772442-C-T. GRCh37 (hg19) VCF-style: chr14-105238779-C-T.
Other names: c.1183G>A, p.Gly395Ser (NM_001014431.2, NM_001014432.2, NM_001382431.1 and 3 more transcripts); short protein forms G395S.
Identifiers: ClinVar variation 2624970 (VCV002624970.2), dbSNP rs1892447426, ClinGen allele CA391216390.
Genomic context (GRCh38, chr14:104,772,442, plus strand): 5'-GCTGCCACACGATACCGGCAAAGAAGCGATGCTGCATGATCTCCTTGGCGTCCTCGGAGC[C>T]CCCGCCAAGCCTGCAGGCAGGAAACAAGGCCACAGTGTCGGTACCGCCACCTGCCCAGGC-3'
Protein context (NP_001369359.1, residues 385-405): KKDPKQRLGG[Gly395Ser]SEDAKEIMQH

ClinVar aggregate classification (germline): Uncertain significance (1 of 4 stars; one submission).

Conditions:
Inborn genetic diseases. Identifiers: MedGen C0950123, MeSH D030342.

Allele frequency attached by ClinVar (database versions not stated): TOPMed below 0.00001.

Submission:

Ambry Genetics
Classification: Uncertain significance for Inborn genetic diseases. Last evaluated: 2023-07-28. Review status: criteria provided, single submitter. Criteria: Ambry Variant Classification Scheme 2023. Collection method: clinical testing. Allele origin: germline.
Comment: The p.G395S variant (also known as c.1183G>A), located in coding exon 11 of the AKT1 gene, results from a G to A substitution at nucleotide position 1183. The glycine at codon 395 is replaced by serine, an amino acid with similar properties. This amino acid position is conserved. In addition, this alteration is predicted to be tolerated by in silico analysis. Since supporting evidence is limited at this time, the clinical significance of this alteration remains unclear.